The following is an entry in ClinVar:

NM_005876.5(SPEG):c.92C>A (p.Ala31Asp)

Gene: SPEG (striated muscle enriched protein kinase; plus strand). Cytogenetic location: 2q35.
Variant type: single nucleotide variant.
Coding change: c.92C>A on transcript NM_005876.5 (MANE Select); coding-DNA position 92, C replaced by A.
Protein change: p.Ala31Asp; replaces alanine 31 with aspartic acid.
Molecular consequence: missense variant.
Genome position (GRCh38, 1-based): chr2:219,435,069, C>A. VCF-style: chr2-219435069-C-A. GRCh37 (hg19) VCF-style: chr2-220299791-C-A.
Other names: short protein forms A31D.
Identifiers: ClinVar variation 1984884 (VCV001984884.2), dbSNP rs2545288195, ClinGen allele CA350703782.
Genomic context (GRCh38, chr2:219,435,069, plus strand): 5'-ATGCGGGCACGAGGGCACCCCCCAGCCCCGGAGTGCCCCCGAAAAGGGCCAAGGTGGGGG[C>A]CGGCGGCGGGGCTCCTGTGGCCGTGGCCGGGGCGCCAGTCTTCCTGCGGCCCCTGAAGAA-3'
Protein context (NP_005867.3, residues 21-41): GVPPKRAKVG[Ala31Asp]GGGAPVAVAG

ClinVar aggregate classification (germline): Uncertain significance. Review status: criteria provided, multiple submitters, no conflicts (2 of 4 stars). 2 submissions from 2 submitters: Uncertain significance (2). Last evaluated 2022-07-30.

gnomAD v4.1: 2 of 1,472,548 alleles (0.00014%); highest among the groups gnomAD compares: East Asian, 0.0029%; no homozygotes.

Submissions (2):

Labcorp Genetics (formerly Invitae), Labcorp
Classification: Uncertain significance. Last evaluated: 2022-07-30. Review status: criteria provided, single submitter. Criteria: Invitae Variant Classification Sherloc (09022015). Collection method: clinical testing. Allele origin: germline.
Comment: This sequence change replaces alanine, which is neutral and non-polar, with aspartic acid, which is acidic and polar, at codon 31 of the SPEG protein (p.Ala31Asp). This variant is not present in population databases (gnomAD no frequency). This variant has not been reported in the literature in individuals affected with SPEG-related conditions. Algorithms developed to predict the effect of missense changes on protein structure and function are either unavailable or do not agree on the potential impact of this missense change (SIFT: "Deleterious"; PolyPhen-2: "Benign"; Align-GVGD: "Class C0"). In summary, the available evidence is currently insufficient to determine the role of this variant in disease. Therefore, it has been classified as a Variant of Uncertain Significance.

Blueprint Genetics
Classification: Uncertain significance. Last evaluated: 2021-07-12. Review status: criteria provided, single submitter. Criteria: ACMG Guidelines, 2015. Collection method: clinical testing. Allele origin: germline.